The following is an entry in ClinVar:

NM_177438.3(DICER1):c.1752+3A>G

Gene: DICER1 (dicer 1, ribonuclease III; minus strand). Cytogenetic location: 14q32.13.
Variant type: single nucleotide variant.
Coding change: c.1752+3A>G on transcript NM_177438.3 (MANE Select); 3 bases into the intron after coding-DNA position 1752, A replaced by G.
Molecular consequence: intron variant.
Genome position (GRCh38, 1-based): chr14:95,116,450, T>C on the plus strand (A>G on the coding strand, the complement: DICER1 is on the minus strand). VCF-style: chr14-95116450-T-C. GRCh37 (hg19) VCF-style: chr14-95582787-T-C.
Other names: c.1752+3A>G (NM_001291628.2, NM_030621.4, NM_001395677.1 and 12 more transcripts); c.1347+3A>G (NM_001395690.1, NM_001395687.1, NM_001395689.1 and 3 more transcripts); c.1470+3A>G (NM_001395686.1); c.1185+3A>G (NM_001395691.1); c.69+3A>G (NM_001395697.1).
Identifiers: ClinVar variation 2451706 (VCV002451706.2), dbSNP rs2543026475, ClinGen allele CA2580089026.
Genomic context (GRCh38, chr14:95,116,450, plus strand): 5'-ACAAAGAAGCCACATTAATTTTTTTTCCCAATCTGCCGGCACATGTTAATATGTTGATCT[T>C]ACCTTTTCAATAGCTTTGTAGGTTTTAAGGTCTTCTTCAAAACTTTTTATTTTGTCTGTA-3'

ClinVar aggregate classification (germline): Uncertain significance (1 of 4 stars; one submission).

Conditions:
Hereditary cancer-predisposing syndrome. Also called: Neoplastic Syndromes, Hereditary; Tumor predisposition; Hereditary neoplastic syndrome; Hereditary Cancer Syndrome. Identifiers: Orphanet 140162, MedGen C0027672, MeSH D009386, MONDO:0015356.

Submission:

Ambry Genetics
Classification: Uncertain significance for Hereditary cancer-predisposing syndrome. Last evaluated: 2023-01-20. Review status: criteria provided, single submitter. Criteria: Ambry Variant Classification Scheme 2023. Collection method: clinical testing. Allele origin: germline.
Comment: The c.1752+3A>G intronic variant results from an A to G substitution 3 nucleotides after coding exon 9 in the DICER1 gene. This nucleotide position is not well conserved in available vertebrate species. In silico splice site analysis predicts that this alteration will not have any significant effect on splicing. Since supporting evidence is limited at this time, the clinical significance of this alteration remains unclear.